The following is an entry in ClinVar:

ClinVar aggregate classification (germline): Benign/Likely benign. Review status: criteria provided, multiple submitters, no conflicts (2 of 4 stars). 4 submissions from 4 submitters: Benign (1); Likely benign (2). 1 of the submissions does not count toward it. Last evaluated 2025-08-29.

Conditions:
Supravalvar aortic stenosis (SVAS). Also called: Supravalvar aortic stenosis, Eisenberg type. Identifiers: Orphanet 3193, MedGen C0003499, MONDO:0008504, OMIM 185500, HP:0004381.
ELN-related disorder.

Allele frequency attached by ClinVar (database versions not stated): gnomAD 0.00001 and 0.00003.
gnomAD v4.1: 125 of 1,612,630 alleles (0.0078%); highest among the groups gnomAD compares: South Asian, 0.058%; 1 homozygote.

Submissions (4):

Labcorp Genetics (formerly Invitae), Labcorp
Classification: Benign for Supravalvar aortic stenosis. Last evaluated: 2025-08-29. Review status: criteria provided, single submitter. Criteria: Invitae Variant Classification Sherloc (09022015). Collection method: clinical testing. Allele origin: germline.

Blueprint Genetics
Classification: Likely benign. Last evaluated: 2024-09-30. Review status: criteria provided, single submitter. Criteria: ACMG Guidelines, 2015. Collection method: clinical testing. Allele origin: germline.

GeneDx
Classification: Likely benign. Last evaluated: 2021-06-24. Review status: criteria provided, single submitter. Criteria: GeneDx Variant Classification Process June 2021. Collection method: clinical testing. Allele origin: germline. Affected: yes.
Comment: See Variant Classification Assertion Criteria.

PreventionGenetics, part of Exact Sciences
Classification: Likely benign for ELN-related condition. Last evaluated: 2021-09-14. Review status: no assertion criteria provided. Collection method: clinical testing. Allele origin: germline. Not counted in ClinVar's aggregate classification.
Comment: This variant is classified as likely benign based on ACMG/AMP sequence variant interpretation guidelines (Richards et al. 2015 PMID: 25741868, with internal and published modifications).

NM_000501.4(ELN):c.233-4G>A

Gene: ELN (elastin; plus strand). Cytogenetic location: 7q11.23.
Variant type: single nucleotide variant.
Coding change: c.233-4G>A on transcript NM_000501.4 (MANE Select); 4 bases into the intron before coding-DNA position 233, G replaced by A.
Molecular consequence: intron variant.
Genome position (GRCh38, 1-based): chr7:74,042,610, G>A. VCF-style: chr7-74042610-G-A. GRCh37 (hg19) VCF-style: chr7-73456940-G-A.
Other names: c.233-4G>A (NM_000501.3, NM_001081754.3, NM_001081753.3 and 5 more transcripts); c.197-4G>A (NM_001278913.2); c.203-4G>A (NM_001278914.2, NM_001278917.2, NM_001081752.3 and 1 more transcripts).
Identifiers: ClinVar variation 1691597 (VCV001691597.11), dbSNP rs782410717, ClinGen allele CA4292404.